The following is an entry in ClinVar:

NM_024690.2(MUC16):c.39648T>C (p.Tyr13216=)

Gene: MUC16 (mucin 16, cell surface associated; minus strand). Cytogenetic location: 19p13.2.
Variant type: single nucleotide variant.
Coding change: c.39648T>C on transcript NM_024690.2; coding-DNA position 39648, T replaced by C.
Protein change: p.Tyr13216=; no amino-acid change (tyrosine 13216 retained).
Molecular consequence: synonymous variant.
Genome position (GRCh38, 1-based): chr19:8,895,694, A>G on the plus strand (T>C on the coding strand, the complement: MUC16 is on the minus strand). VCF-style: chr19-8895694-A-G. GRCh37 (hg19) VCF-style: chr19-9006370-A-G.
Identifiers: ClinVar variation 768966 (VCV000768966.6), dbSNP rs79341062, ClinGen allele CA9163919.

ClinVar aggregate classification (germline): Benign. Review status: criteria provided, single submitter (1 of 4 stars). 2 submissions from 2 submitters: Benign (1). 1 of the submissions does not count toward it. Last evaluated 2019-12-31.

Conditions:
MUC16-related disorder. Also called: MUC16-related condition.

Allele frequency attached by ClinVar (database versions not stated): 1000 Genomes Project 30x 0.34135; ExAC 0.46028.

Submissions (2):

Labcorp Genetics (formerly Invitae), Labcorp
Classification: Benign. Last evaluated: 2019-12-31. Review status: criteria provided, single submitter. Criteria: Invitae Variant Classification Sherloc (09022015). Collection method: clinical testing. Allele origin: germline.

PreventionGenetics, part of Exact Sciences
Classification: Likely benign for MUC16-related condition. Last evaluated: 2019-10-17. Review status: no assertion criteria provided. Collection method: clinical testing. Allele origin: germline. Not counted in ClinVar's aggregate classification.
Comment: This variant is classified as likely benign based on ACMG/AMP sequence variant interpretation guidelines (Richards et al. 2015 PMID: 25741868, with internal and published modifications).